The following is an entry in ClinVar:

ClinVar aggregate classification (germline): Uncertain significance. Review status: criteria provided, multiple submitters, no conflicts (2 of 4 stars). 2 submissions from 2 submitters: Uncertain significance (2). Last evaluated 2023-02-01.

Conditions:
Inborn genetic diseases. Identifiers: MedGen C0950123, MeSH D030342.

Submissions (2):

CeGaT Center for Human Genetics Tuebingen
Classification: Uncertain significance. Last evaluated: 2023-02-01. Review status: criteria provided, single submitter. Criteria: CeGaT Center For Human Genetics Tuebingen Variant Classification Criteria Version 2. Collection method: clinical testing. Allele origin: germline. Affected: yes. Observed: 1 variant allele.
Comment: LRP5: PM2, PP3

Ambry Genetics
Classification: Uncertain significance for Inborn genetic diseases. Last evaluated: 2023-01-25. Review status: criteria provided, single submitter. Criteria: Ambry Variant Classification Scheme 2023. Collection method: clinical testing. Allele origin: germline.
Comment: The c.1015G>A (p.G339R) alteration is located in exon 5 (coding exon 5) of the LRP5 gene. This alteration results from a G to A substitution at nucleotide position 1015, causing the glycine (G) at amino acid position 339 to be replaced by an arginine (R). This change occurs in the last base pair of coding exon5, which makes it likely to have some effect on normal mRNA splicing. This variant was not reported in population-based cohorts in the Genome Aggregation Database (gnomAD). A variant impacting the same donor site, c.1015+1G>T, has been reported in a homozygous state in an individual with intellectual disability, developmental delay, seizures, hypotonia, congenital blindness with retrolental masses, four femoral fractures, and low bone mineral density (Laine, 2011). This nucleotide position is highly conserved in available vertebrate species. This amino acid position is highly conserved in available vertebrate species. The in silico prediction for this amino acid alteration is inconclusive. In silico splice site analysis predicts that this alteration will weaken the native splice donor site and will result in the creation or strengthening of a novel splice donor site. Based on insufficient or conflicting evidence, the clinical significance of this alteration remains unclear.

Literature cited by the submitters: PubMed 21407258 (cited by Ambry Genetics).

NM_002335.4(LRP5):c.1015G>A (p.Gly339Arg)

Gene: LRP5 (LDL receptor related protein 5; plus strand). Cytogenetic location: 11q13.2.
Variant type: single nucleotide variant.
Coding change: c.1015G>A on transcript NM_002335.4 (MANE Select); coding-DNA position 1015, G replaced by A.
Protein change: p.Gly339Arg; replaces glycine 339 with arginine.
Molecular consequence: missense variant. On other transcripts: 5 prime UTR variant (1).
Genome position (GRCh38, 1-based): chr11:68,365,702, G>A. VCF-style: chr11-68365702-G-A. GRCh37 (hg19) VCF-style: chr11-68133170-G-A.
Other names: c.-751G>A (NM_001291902.2); short protein forms G339R.
Identifiers: ClinVar variation 2473733 (VCV002473733.26), dbSNP rs2496483042, ClinGen allele CA381611617.